The following is an entry in ClinVar:

NM_033163.5(FGF8):c.446G>A (p.Ser149Asn)

Gene: FGF8 (fibroblast growth factor 8; minus strand). Cytogenetic location: 10q24.32.
Variant type: single nucleotide variant.
Coding change: c.446G>A on transcript NM_033163.5 (MANE Select); coding-DNA position 446, G replaced by A.
Protein change: p.Ser149Asn; replaces serine 149 with asparagine.
Molecular consequence: missense variant.
Genome position (GRCh38, 1-based): chr10:101,770,618, C>T on the plus strand (G>A on the coding strand, the complement: FGF8 is on the minus strand). VCF-style: chr10-101770618-C-T. GRCh37 (hg19) VCF-style: chr10-103530375-C-T.
Other names: c.134G>A, p.Ser45Asn (NM_001206389.2); c.359G>A, p.Ser120Asn (NM_006119.6); c.413G>A, p.Ser138Asn (NM_033164.4); c.326G>A, p.Ser109Asn (NM_033165.5); short protein forms S109N, S120N, S138N, S149N, S45N.
Identifiers: ClinVar variation 3363629 (VCV003363629.1).

ClinVar aggregate classification (germline): Uncertain significance (1 of 4 stars; one submission).

Submission:

GeneDx
Classification: Uncertain significance. Last evaluated: 2023-11-06. Review status: criteria provided, single submitter. Criteria: GeneDx Variant Classification Process June 2021. Collection method: clinical testing. Allele origin: germline. Affected: yes.
Comment: Not observed at significant frequency in large population cohorts (gnomAD); In silico analysis supports that this missense variant does not alter protein structure/function; Has not been previously published as pathogenic or benign to our knowledge